The following is an entry in ClinVar:

NM_000238.4(KCNH2):c.2438C>G (p.Ala813Gly)

Gene: KCNH2 (potassium voltage-gated channel subfamily H member 2; minus strand). Cytogenetic location: 7q36.1.
Variant type: single nucleotide variant.
Coding change: c.2438C>G on transcript NM_000238.4 (MANE Select); coding-DNA position 2438, C replaced by G.
Protein change: p.Ala813Gly; replaces alanine 813 with glycine.
Molecular consequence: missense variant.
Genome position (GRCh38, 1-based): chr7:150,949,010, G>C on the plus strand (C>G on the coding strand, the complement: KCNH2 is on the minus strand). VCF-style: chr7-150949010-G-C. GRCh37 (hg19) VCF-style: chr7-150646098-G-C.
Other names: c.2150C>G, p.Ala717Gly (NM_001406753.1); c.1418C>G, p.Ala473Gly (NM_172057.3); short protein forms A473G, A717G, A813G.
Identifiers: ClinVar variation 1720476 (VCV001720476.5), dbSNP rs1801031967, ClinGen allele CA369855298.

ClinVar aggregate classification (germline): Uncertain significance (1 of 4 stars; one submission).

Conditions:
Long QT syndrome (LQTS). Identifiers: MedGen C0023976, MeSH D008133, MONDO:0002442. Disease mechanism: loss of function. Inheritance: Various modes of inheritance.

Allele frequency attached by ClinVar (database versions not stated): gnomAD exomes below 0.00001.
gnomAD v4.1: 1 of 1,614,212 alleles (0.000062%); highest among the groups gnomAD compares: South Asian, 0.0011%; no homozygotes.

Submission:

Labcorp Genetics (formerly Invitae), Labcorp
Classification: Uncertain significance for Long QT syndrome. Last evaluated: 2023-12-28. Review status: criteria provided, single submitter. Criteria: Invitae Variant Classification Sherloc (09022015). Collection method: clinical testing. Allele origin: germline.
Comment: This sequence change replaces alanine, which is neutral and non-polar, with glycine, which is neutral and non-polar, at codon 813 of the KCNH2 protein (p.Ala813Gly). This variant is not present in population databases (gnomAD no frequency). This variant has not been reported in the literature in individuals affected with KCNH2-related conditions. ClinVar contains an entry for this variant (Variation ID: 1720476). An algorithm developed to predict the effect of missense changes on protein structure and function (PolyPhen-2) suggests that this variant is likely to be disruptive. In summary, the available evidence is currently insufficient to determine the role of this variant in disease. Therefore, it has been classified as a Variant of Uncertain Significance.